The following is an entry in ClinVar:

NM_002458.3(MUC5B):c.7796C>T (p.Thr2599Ile)

Genes: MUC5B (mucin 5B, oligomeric mucus/gel-forming; plus strand), MUC5B-AS1 (MUC5B antisense RNA 1; minus strand). Cytogenetic location: 11p15.5.
Variant type: single nucleotide variant.
Coding change: c.7796C>T on transcript NM_002458.3 (MANE Select); coding-DNA position 7796, C replaced by T.
Protein change: p.Thr2599Ile; replaces threonine 2599 with isoleucine.
Molecular consequence: missense variant.
Genome position (GRCh38, 1-based): chr11:1,244,676, C>T. VCF-style: chr11-1244676-C-T. GRCh37 (hg19) VCF-style: chr11-1265906-C-T.
Other names: short protein forms T2599I.
Identifiers: ClinVar variation 3387968 (VCV003387968.14).

ClinVar aggregate classification (germline): Likely benign (1 of 4 stars; one submission).

Submission:

CeGaT Center for Human Genetics Tuebingen
Classification: Likely benign. Last evaluated: 2025-03-01. Review status: criteria provided, single submitter. Criteria: CeGaT Center For Human Genetics Tuebingen Variant Classification Criteria Version 2. Collection method: clinical testing. Allele origin: germline. Affected: yes. Observed: 3 variant alleles.
Comment: MUC5B: BP4, BS1